The following is an entry in ClinVar:

ClinVar aggregate classification (germline): Uncertain significance (1 of 4 stars; one submission).

Conditions:
Intellectual developmental disorder, autosomal dominant 44, with microcephaly. Also called: TRIO-Related Intellectual Disability; Micrognathia-recurrent infections-behavioral abnormalities-mild intellectual disability syndrome. Identifiers: Orphanet 476126, MedGen C4310740, MONDO:0014892, OMIM 617061.

Allele frequency attached by ClinVar (database versions not stated): gnomAD exomes below 0.00001; ExAC 0.00001; gnomAD 0.00001.
gnomAD v4.1: 6 of 1,614,004 alleles (0.00037%); highest among the groups gnomAD compares: South Asian, 0.0022%; no homozygotes.

Submission:

MVZ Medizinische Genetik Mainz
Classification: Uncertain significance for Intellectual developmental disorder, autosomal dominant 44, with microcephaly. Last evaluated: 2023-08-29. Review status: criteria provided, single submitter. Criteria: UK Practice Guidelines For Variant Classification V4 01 2020. Collection method: clinical testing. Allele origin: germline. Inheritance: Autosomal dominant inheritance. Affected: yes. Observed: 1 variant allele.
Comment: ACMG Criteria: PS2_MOD,PP2,BS2_SUP

NM_007118.4(TRIO):c.2770C>T (p.Arg924Cys)

Gene: TRIO (trio Rho guanine nucleotide exchange factor; plus strand). Cytogenetic location: 5p15.2.
Variant type: single nucleotide variant.
Coding change: c.2770C>T on transcript NM_007118.4 (MANE Select); coding-DNA position 2770, C replaced by T.
Protein change: p.Arg924Cys; replaces arginine 924 with cysteine.
Molecular consequence: missense variant. On other transcripts: non-coding transcript variant (1).
Genome position (GRCh38, 1-based): chr5:14,366,875, C>T. VCF-style: chr5-14366875-C-T. GRCh37 (hg19) VCF-style: chr5-14366984-C-T.
Other names: short protein forms R924C.
Identifiers: ClinVar variation 3066284 (VCV003066284.1), dbSNP rs772072746, ClinGen allele CA3206000.
Genomic context (GRCh38, chr5:14,366,875, plus strand): 5'-CTCTGGGAAGTCCACTGCTTGGAGTTATCCTGTGTAATGTTTCAGGTGCTGGGTTGGATC[C>T]GCAACGGAGAGTCCATGTTAAATGCCGGACTTATCACAGCCAGCTCGTTACAAGAGGCAG-3'
Protein context (NP_009049.2, residues 914-934): AEVKQVLGWI[Arg924Cys]NGESMLNAGL